The following is an entry in ClinVar:

NM_001374353.1(GLI2):c.268A>C (p.Ser90Arg)

Gene: GLI2 (GLI family zinc finger 2; plus strand). Cytogenetic location: 2q14.2.
Variant type: single nucleotide variant.
Coding change: c.268A>C on transcript NM_001374353.1 (MANE Select); coding-DNA position 268, A replaced by C.
Protein change: p.Ser90Arg; replaces serine 90 with arginine.
Molecular consequence: missense variant. On other transcripts: 5 prime UTR variant (1).
Genome position (GRCh38, 1-based): chr2:120,951,256, A>C. VCF-style: chr2-120951256-A-C. GRCh37 (hg19) VCF-style: chr2-121708832-A-C.
Other names: c.268A>C, p.Ser90Arg (NM_001371271.1, NM_005270.5); c.-108A>C (NM_001374354.1); short protein forms S90R.
Identifiers: ClinVar variation 2631900 (VCV002631900.3), dbSNP rs1317321309, ClinGen allele CA348161735.

ClinVar aggregate classification (germline): Uncertain significance. Review status: criteria provided, single submitter (1 of 4 stars). 2 submissions from 2 submitters: Uncertain significance (1). 1 of the submissions does not count toward it. Last evaluated 2024-03-11.

Conditions:
GLI2-related disorder. Also called: GLI2-related disorders; GLI2-related condition.

Allele frequency attached by ClinVar (database versions not stated): TOPMed below 0.00001; gnomAD 0.00001; gnomAD exomes 0.00001.
gnomAD v4.1: 12 of 1,608,546 alleles (0.00075%); highest among the groups gnomAD compares: Non-Finnish European, 0.00094%; no homozygotes.

Submissions (2):

Blueprint Genetics
Classification: Uncertain significance. Last evaluated: 2024-03-11. Review status: criteria provided, single submitter. Criteria: ACMG Guidelines, 2015. Collection method: clinical testing. Allele origin: germline.

PreventionGenetics, part of Exact Sciences
Classification: Uncertain significance for GLI2-related condition. Last evaluated: 2024-09-23. Review status: no assertion criteria provided. Collection method: clinical testing. Allele origin: germline. Not counted in ClinVar's aggregate classification.
Comment: The GLI2 c.268A>C variant is predicted to result in the amino acid substitution p.Ser90Arg. To our knowledge, this variant has not been reported in the literature. This variant is reported in 0.00088% of alleles in individuals of European (non-Finnish) descent in gnomAD. At this time, the clinical significance of this variant is uncertain due to the absence of conclusive functional and genetic evidence.